The following is an entry in ClinVar:

NM_004260.4(RECQL4):c.1483G>C (p.Gly495Arg)

Gene: RECQL4 (RecQ like helicase 4; minus strand). Cytogenetic location: 8q24.3.
Variant type: single nucleotide variant.
Coding change: c.1483G>C on transcript NM_004260.4 (MANE Select); coding-DNA position 1483, G replaced by C.
Protein change: p.Gly495Arg; replaces glycine 495 with arginine.
Molecular consequence: missense variant. On other transcripts: non-coding transcript variant (3).
Genome position (GRCh38, 1-based): chr8:144,515,150, C>G on the plus strand (G>C on the coding strand, the complement: RECQL4 is on the minus strand). VCF-style: chr8-144515150-C-G. GRCh37 (hg19) VCF-style: chr8-145740534-C-G.
Other names: c.1387G>C, p.Gly463Arg (NM_001413017.1, NM_001413020.1); c.1483G>C, p.Gly495Arg (NM_001413018.1, NM_001413019.1, NM_001413033.1 and 2 more transcripts); c.412G>C, p.Gly138Arg (NM_001413021.1, NM_001413022.1, NM_001413023.1 and 8 more transcripts); c.1354G>C, p.Gly452Arg (NM_001413025.1); c.346G>C, p.Gly116Arg (NM_001413027.1, NM_001413030.1, NM_001413031.1 and 2 more transcripts); c.1132G>C, p.Gly378Arg (NM_001413029.1); c.16G>C, p.Gly6Arg (NM_001413043.1); short protein forms G495R, G452R, G463R, G6R, G116R, G378R, G138R.
Identifiers: ClinVar variation 2911508 (VCV002911508.3), dbSNP rs2130705482, ClinGen allele CA372684479.

ClinVar aggregate classification (germline): Uncertain significance (1 of 4 stars; one submission).

Conditions:
Baller-Gerold syndrome (BGS). Also called: CRANIOSYNOSTOSIS WITH RADIAL DEFECTS. Identifiers: Orphanet 1225, MedGen C0265308, MONDO:0009039, OMIM 218600.

Submission:

Labcorp Genetics (formerly Invitae), Labcorp
Classification: Uncertain significance for Baller-Gerold syndrome. Last evaluated: 2023-08-04. Review status: criteria provided, single submitter. Criteria: Invitae Variant Classification Sherloc (09022015). Collection method: clinical testing. Allele origin: germline.
Comment: Experimental studies and prediction algorithms are not available or were not evaluated, and the functional significance of this variant is currently unknown. In summary, the available evidence is currently insufficient to determine the role of this variant in disease. Therefore, it has been classified as a Variant of Uncertain Significance. Variants that disrupt the consensus splice site are a relatively common cause of aberrant splicing (PMID: 17576681, 9536098). Algorithms developed to predict the effect of sequence changes on RNA splicing suggest that this variant may disrupt the consensus splice site. This variant has not been reported in the literature in individuals affected with RECQL4-related conditions. This variant is not present in population databases (gnomAD no frequency). This sequence change replaces glycine, which is neutral and non-polar, with arginine, which is basic and polar, at codon 495 of the RECQL4 protein (p.Gly495Arg). This variant also falls at the last nucleotide of exon 8, which is part of the consensus splice site for this exon.

Literature cited by the submitters: PubMed 17576681; PubMed 9536098.